The following is an entry in ClinVar:

NM_001252.5(CD70):c.-133G>T

Genes: CD70 (CD70 molecule; minus strand), LOC130063317 (ATAC-STARR-seq lymphoblastoid active region 13847; plus strand). Cytogenetic location: 19p13.3.
Variant type: single nucleotide variant.
Coding change: c.-133G>T on transcript NM_001252.5 (MANE Select); 133 bases upstream of the start codon, G replaced by T.
Molecular consequence: 5 prime UTR variant.
Genome position (GRCh38, 1-based): chr19:6,591,135, C>A on the plus strand (G>T on the coding strand, the complement: CD70 is on the minus strand). VCF-style: chr19-6591135-C-A. GRCh37 (hg19) VCF-style: chr19-6591146-C-A.
Other names: c.-133G>T (NM_001330332.2).
Identifiers: ClinVar variation 2628306 (VCV002628306.2), dbSNP rs17703895, ClinGen allele CA14669322.

ClinVar aggregate classification (germline): Benign (1 of 4 stars; one submission).

Allele frequency attached by ClinVar (database versions not stated): 1000 Genomes Project 0.15954; 1000 Genomes Project 30x 0.16037; TOPMed 0.23079; gnomAD 0.23687; gnomAD exomes 0.28255.

Submission:

Unidad de Genómica Garrahan, Hospital de Pediatría Garrahan
Classification: Benign. Last evaluated: 2023-11-12. Review status: criteria provided, single submitter. Criteria: ACMG Guidelines, 2015. Collection method: clinical testing. Allele origin: germline. Affected: no. Observed: 19 variant alleles.
Comment: This variant is classified as Benign based on local population frequency. This variant was detected in 20% of patients studied by a panel of primary immunodeficiencies. Number of patients: 19. Only high quality variants are reported.